The following is an entry in ClinVar:

ClinVar aggregate classification (germline): Pathogenic. Review status: reviewed by expert panel (3 of 4 stars). 3 submissions from 3 submitters: Pathogenic (1). 2 of the submissions do not count toward it. Last evaluated 2013-09-05.

Conditions:
Hereditary nonpolyposis colorectal neoplasms. Identifiers: MedGen C0009405, MeSH D003123.
Lynch syndrome. Identifiers: Orphanet 144, MedGen C4552100, MONDO:0005835. Disease mechanism: loss of function.

Submissions (3):

International Society for Gastrointestinal Hereditary Tumours (InSiGHT)
Classification: Pathogenic for Lynch Syndrome. Last evaluated: 2013-09-05. Review status: reviewed by expert panel. Criteria: Guidelines v1.9. Collection method: research. Allele origin: germline.
Comment: Coding sequence variation resulting in a stop codon

Classified with v1.9 guidelines

GeneDx
Classification: Pathogenic. Last evaluated: 2024-06-17. Review status: criteria provided, single submitter. Criteria: GeneDx Variant Classification Process June 2021. Collection method: clinical testing. Allele origin: germline. Affected: yes. Not counted in ClinVar's aggregate classification.
Comment: Nonsense variant predicted to result in protein truncation or nonsense mediated decay in a gene for which loss of function is a known mechanism of disease; Not observed at significant frequency in large population cohorts (gnomAD); Truncating variants in this gene are considered pathogenic by a well-established clinical consortium and/or database; Has not been previously published as pathogenic or benign to our knowledge; This variant is associated with the following publications: (PMID: 36289196)

Labcorp Genetics (formerly Invitae), Labcorp
Classification: Pathogenic for Hereditary nonpolyposis colorectal neoplasms. Last evaluated: 2024-05-09. Review status: criteria provided, single submitter. Criteria: Invitae Variant Classification Sherloc (09022015). Collection method: clinical testing. Allele origin: germline. Not counted in ClinVar's aggregate classification.
Comment: This sequence change creates a premature translational stop signal (p.Ser200*) in the MSH6 gene. It is expected to result in an absent or disrupted protein product. Loss-of-function variants in MSH6 are known to be pathogenic (PMID: 18269114, 24362816). This variant is not present in population databases (gnomAD no frequency). This premature translational stop signal has been observed in individual(s) with colorectal cancer (PMID: 16616355). ClinVar contains an entry for this variant (Variation ID: 89539). For these reasons, this variant has been classified as Pathogenic.

Literature cited by the submitters: PubMed 18269114 (cited by Labcorp Genetics (formerly Invitae), Labcorp); PubMed 24362816 (cited by Labcorp Genetics (formerly Invitae), Labcorp); PubMed 16616355 (cited by Labcorp Genetics (formerly Invitae), Labcorp).

NM_000179.3(MSH6):c.599C>A (p.Ser200Ter)

Gene: MSH6 (mutS homolog 6; plus strand). Cytogenetic location: 2p16.3.
Variant type: single nucleotide variant.
Coding change: c.599C>A on transcript NM_000179.3 (MANE Select); coding-DNA position 599, C replaced by A.
Protein change: p.Ser200Ter; replaces serine 200 with a stop codon.
Molecular consequence: nonsense. On other transcripts: 5 prime UTR variant (1), intron variant (2).
Genome position (GRCh38, 1-based): chr2:47,796,035, C>A. VCF-style: chr2-47796035-C-A. GRCh37 (hg19) VCF-style: chr2-48023174-C-A.
Other names: c.-304C>A (NM_001281494.2); c.-279-2576C>A (NM_001281493.2); c.238-2576C>A (NM_001281492.2); short protein forms S200*.
Identifiers: ClinVar variation 89539 (VCV000089539.5), dbSNP rs63751077, ClinGen allele CA015935.